The following is an entry in ClinVar:

ClinVar aggregate classification (germline): Pathogenic/Likely pathogenic. Review status: criteria provided, multiple submitters, no conflicts (2 of 4 stars). 6 submissions from 6 submitters: Pathogenic (3); Likely pathogenic (2). 1 of the submissions does not count toward it. Last evaluated 2026-01-14.

Conditions:
Hereditary cancer-predisposing syndrome. Also called: Tumor predisposition; Hereditary neoplastic syndrome; Hereditary Cancer Syndrome; Neoplastic Syndromes, Hereditary. Identifiers: Orphanet 140162, MedGen C0027672, MeSH D009386, MONDO:0015356.
Hereditary breast ovarian cancer syndrome. Also called: Hereditary breast and/or ovarian cancer syndrome; Breast and ovarian cancer; Hereditary breast and ovarian cancer syndrome; Hereditary breast and ovarian cancer; Hereditary breast and ovarian cancer syndrome (HBOC); BRCA1- and BRCA2-Associated Hereditary Breast and Ovarian Cancer. Identifiers: Orphanet 145, MedGen C0677776, MeSH D061325, MONDO:0003582. Disease mechanism: loss of function.
Breast-ovarian cancer, familial, susceptibility to, 1 (BROVCA1). Also called: BRCA1 Hereditary Breast and Ovarian Cancer; OVARIAN CANCER, SUSCEPTIBILITY TO. Identifiers: Orphanet 145, MedGen C2676676, MONDO:0011450, OMIM 604370. Disease mechanism: loss of function.

Submissions (7):

Labcorp Genetics (formerly Invitae), Labcorp
Classification: Pathogenic for Hereditary breast ovarian cancer syndrome. Last evaluated: 2026-01-14. Review status: criteria provided, single submitter. Criteria: Invitae Variant Classification Sherloc (09022015). Collection method: clinical testing. Allele origin: germline.
Comment: This sequence change affects a donor splice site in intron 3 of the BRCA1 gene. RNA analysis indicates that disruption of this splice site induces altered splicing and may result in an absent or altered protein product. This variant is not present in population databases (gnomAD no frequency). Disruption of this splice site has been observed in individual(s) with BRCA1-related conditions (PMID: 28176296, 29446198). ClinVar contains an entry for this variant (Variation ID: 125563). Algorithms developed to predict the effect of variants on gene product structure and function are not available or were not evaluated for this variant. Experimental studies have shown that disruption of this splice site affects BRCA1 function (PMID: 30209399). Studies have shown that disruption of this splice site results in skipping of exon 3, and produces a non-functional protein and/or introduces a premature termination codon (internal data). For these reasons, this variant has been classified as Pathogenic.

GeneDx
Classification: Likely pathogenic. Last evaluated: 2025-03-10. Review status: criteria provided, single submitter. Criteria: GeneDx Variant Classification Process June 2021. Collection method: clinical testing. Allele origin: germline. Affected: yes.
Comment: Canonical splice site variant predicted to result in a null allele in a gene for which loss of function is a known mechanism of disease; Published functional studies demonstrate a damaging effect: variant classified as non-functional based on a saturation genome editing (SGE) assay measuring cell survival (PMID: 30209399); Not observed at significant frequency in large population cohorts (gnomAD); Also known as 253+1G>C; This variant is associated with the following publications: (PMID: 29446198, 28176296, 20104584, 24389207, 37310942, 30209399)

Ambry Genetics
Classification: Pathogenic for Hereditary cancer-predisposing syndrome. Last evaluated: 2024-02-05. Review status: criteria provided, single submitter. Criteria: Ambry Variant Classification Scheme 2023. Collection method: clinical testing. Allele origin: germline.
Comment: The c.134+1G>C intronic pathogenic mutation results from a G to C substitution one nucleotide after coding exon 2 of the BRCA1 gene. One functional study found that this nucleotide substitution is non-functional in a high throughput genome editing haploid cell survival assay (Findlay GM et al. Nature, 2018 Oct;562:217-222). This nucleotide position is highly conserved in available vertebrate species. In silico splice site analysis predicts that this alteration will weaken the native splice donor site. Alterations that disrupt the canonical splice site are expected to cause aberrant splicing, resulting in an abnormal protein or a transcript that is subject to nonsense-mediated mRNA decay. Based on the supporting evidence, this alteration is interpreted as a disease-causing mutation.

Quest Diagnostics Nichols Institute San Juan Capistrano
Classification: Pathogenic. Last evaluated: 2021-04-12. Review status: criteria provided, single submitter. Criteria: Quest Diagnostics criteria. Collection method: clinical testing. Allele origin: unknown.
Comment: This variant is located in a canonical splice-donor site and interferes with normal BRCA1 mRNA splicing. To the best of our knowledge, this variant has not been reported in individuals affected with BRCA1-related diseases in the published literature. One functional study showed this variant apparently lost functional activity in a large-scale study using a haploid cell line (PMID: 30209399 (2018)). This variant has not been reported in large, multi-ethnic general populations. Based on the available information, this variant is classified as pathogenic.

Women's Health and Genetics/Laboratory Corporation of America, LabCorp
Classification: Likely pathogenic for Hereditary breast ovarian cancer syndrome. Last evaluated: 2016-11-14. Review status: criteria provided, single submitter. Criteria: LabCorp Variant Classification Summary - May 2015. Collection method: clinical testing. Allele origin: germline.
Comment: Variant summary: The BRCA1 c.134+1G>C variant involves the alteration of a conserved intronic nucleotide at a position known to affect splicing with 5/5 splice prediction tools predict the loss of a splicing site and ESE finder predicts alterations to ESE binding, however, these predictions have yet to be functionally assessed. The variant of interest was not observed in controls (ExAC, 1000 Gs, or ESP), nor has it been, to our knowledge, reported in affected individuals via publications. However, a reputable database with a classification from 2002 cites the variant as "pathogenic." In addition, other variants located at this position, c.134+1G>A and c.134+1G>T, have been cited as "pathogenic." Therefore, the variant of interest has been classified as a "Likely Pathogenic" variant until additional information confirming the co-segregation with disease and an in-vitro/in-vivo impact on splicing are obtained.

Breast Cancer Information Core (BIC) (BRCA1)
Classification: Pathogenic for Breast-ovarian cancer, familial 1. Last evaluated: 2002-06-20. Review status: no assertion criteria provided. Collection method: clinical testing. Allele origin: germline. Affected: yes. Observed: 1 variant allele. Not counted in ClinVar's aggregate classification.

Brotman Baty Institute, University of Washington
No classification provided (evidence only). Condition: Breast-ovarian cancer, familial 1. Review status: no classification provided. Collection method: in vitro. Allele origin: not applicable. Functional consequence: functionally_abnormal. Not counted in ClinVar's aggregate classification.
ClinVar note: "not provided" was previously submitted as the classification for the variant. However, the classification appeared to be based only on an observation of functional data so it was converted to no classification on 2025-07-30.

Literature cited by the submitters: PubMed 28176296 (cited by Labcorp Genetics (formerly Invitae), Labcorp); PubMed 29446198 (cited by Labcorp Genetics (formerly Invitae), Labcorp); PubMed 30209399 (cited by 3 submitters).

NM_007294.4(BRCA1):c.134+1G>C

Gene: BRCA1 (BRCA1 DNA repair associated; minus strand). Cytogenetic location: 17q21.31.
Variant type: single nucleotide variant.
Coding change: c.134+1G>C on transcript NM_007294.4 (MANE Select); the canonical splice donor site of the intron after coding-DNA position 134, G replaced by C.
Molecular consequence: splice donor variant. On other transcripts: intron variant (42).
Genome position (GRCh38, 1-based): chr17:43,115,725, C>G on the plus strand (G>C on the coding strand, the complement: BRCA1 is on the minus strand). VCF-style: chr17-43115725-C-G. GRCh37 (hg19) VCF-style: chr17-41267742-C-G.
Other names: IVS3+1G>C; c.-55+1G>C (NM_001407958.1, NM_001407955.1, NM_001408493.1 and 52 more transcripts); c.134+1G>C (NM_001407646.1, NM_001408445.1, NM_001408432.1 and 191 more transcripts); c.-124+1G>C (NM_001407727.1, NM_001407724.1, NM_001407930.1 and 13 more transcripts); c.-171+1G>C (NM_001407900.1, NM_001408492.1, NM_001407889.1); c.-8+5G>C (NM_001407841.1); c.-8+1G>C (NM_001408462.1, NM_001407697.1, NM_001407838.1 and 47 more transcripts); c.-55+8292G>C (NM_001407902.1, NM_001407898.1, NM_001407881.1); and 11 more.
Identifiers: ClinVar variation 125563 (VCV000125563.25), dbSNP rs80358043, ClinGen allele CA000878.
Genomic context (GRCh38, chr17:43,115,725, plus strand): 5'-TGGGTTATGAAGGACAAAAACAAAAGCTAATAATGGAGCCACATAACACATTCAAACTTA[C>G]TTGCAAAATATGTGGTCACACTTTGTGGAGACAGGTTCCTTGATCAACTCCAGACTAGCA-3'